The following is an entry in ClinVar:

NM_000092.5(COL4A4):c.1706del (p.Gly569fs)

Gene: COL4A4 (collagen type IV alpha 4 chain; minus strand). Cytogenetic location: 2q36.3.
Variant type: Deletion.
Coding change: c.1706del on transcript NM_000092.5 (MANE Select); coding-DNA position 1706, one base deleted (G; older notation c.1706delG).
Protein change: p.Gly569fs; shifts the reading frame from glycine 569.
Molecular consequence: frameshift variant.
Genome position (GRCh38, 1-based): chr2:227,080,540, C deleted on the plus strand (G on the coding strand, the reverse complement: COL4A4 is on the minus strand); the first of 2 consecutive C bases (chr2:227,080,540-227,080,541); deleting either gives the same sequence. VCF-style (leftmost placement, unchanged base first): chr2-227080539-TC-T. GRCh37 (hg19) VCF-style: chr2-227945255-TC-T.
Other names: short protein forms G569fs.
Identifiers: ClinVar variation 2081704 (VCV002081704.4), dbSNP rs2474788624, ClinGen allele CA2580065845.

ClinVar aggregate classification (germline): Pathogenic (1 of 4 stars; one submission).

Submission:

Labcorp Genetics (formerly Invitae), Labcorp
Classification: Pathogenic. Last evaluated: 2023-03-01. Review status: criteria provided, single submitter. Criteria: Invitae Variant Classification Sherloc (09022015). Collection method: clinical testing. Allele origin: germline.
Comment: This variant has not been reported in the literature in individuals affected with COL4A4-related conditions. This variant is not present in population databases (gnomAD no frequency). This sequence change creates a premature translational stop signal (p.Gly569Glufs*84) in the COL4A4 gene. It is expected to result in an absent or disrupted protein product. Loss-of-function variants in COL4A4 are known to be pathogenic (PMID: 21196518, 24854265, 25307543). ClinVar contains an entry for this variant (Variation ID: 2081704). For these reasons, this variant has been classified as Pathogenic.

Literature cited by the submitters: PubMed 21196518; PubMed 24854265; PubMed 25307543.